The following is an entry in ClinVar:

NM_013432.5(TONSL):c.125G>A (p.Arg42His)

Gene: TONSL (tonsoku like, DNA repair protein; minus strand). Cytogenetic location: 8q24.3.
Variant type: single nucleotide variant.
Coding change: c.125G>A on transcript NM_013432.5 (MANE Select); coding-DNA position 125, G replaced by A.
Protein change: p.Arg42His; replaces arginine 42 with histidine.
Molecular consequence: missense variant.
Genome position (GRCh38, 1-based): chr8:144,444,021, C>T on the plus strand (G>A on the coding strand, the complement: TONSL is on the minus strand). VCF-style: chr8-144444021-C-T. GRCh37 (hg19) VCF-style: chr8-145669404-C-T.
Other names: short protein forms R42H.
Identifiers: ClinVar variation 3709096 (VCV003709096.2).

ClinVar aggregate classification (germline): Uncertain significance (1 of 4 stars; one submission).

Submission:

Labcorp Genetics (formerly Invitae), Labcorp
Classification: Uncertain significance. Last evaluated: 2024-05-25. Review status: criteria provided, single submitter. Criteria: Invitae Variant Classification Sherloc (09022015). Collection method: clinical testing. Allele origin: germline.
Comment: This sequence change replaces arginine, which is basic and polar, with histidine, which is basic and polar, at codon 42 of the TONSL protein (p.Arg42His). The frequency data for this variant in the population databases is considered unreliable, as metrics indicate poor data quality at this position in the gnomAD database. This missense change has been observed in individual(s) with autosomal recessive sponastrime dysplasia (PMID: 30773278). In at least one individual the data is consistent with being in trans (on the opposite chromosome) from a pathogenic variant. Advanced modeling of protein sequence and biophysical properties (such as structural, functional, and spatial information, amino acid conservation, physicochemical variation, residue mobility, and thermodynamic stability) performed at Invitae indicates that this missense variant is not expected to disrupt TONSL protein function with a negative predictive value of 80%. In summary, the available evidence is currently insufficient to determine the role of this variant in disease. Therefore, it has been classified as a Variant of Uncertain Significance.

Literature cited by the submitters: PubMed 30773278.